The following is an entry in ClinVar:

ClinVar aggregate classification (germline): Uncertain significance (1 of 4 stars; one submission).

Submission:

Labcorp Genetics (formerly Invitae), Labcorp
Classification: Uncertain significance. Last evaluated: 2022-06-02. Review status: criteria provided, single submitter. Criteria: Invitae Variant Classification Sherloc (09022015). Collection method: clinical testing. Allele origin: germline.
Comment: In summary, the available evidence is currently insufficient to determine the role of this variant in disease. Therefore, it has been classified as a Variant of Uncertain Significance. Algorithms developed to predict the effect of missense changes on protein structure and function are either unavailable or do not agree on the potential impact of this missense change (SIFT: "Deleterious"; PolyPhen-2: "Not Available"; Align-GVGD: "Class C65"). This variant has not been reported in the literature in individuals affected with CDH23-related conditions. This variant is not present in population databases (gnomAD no frequency). This sequence change replaces glycine, which is neutral and non-polar, with arginine, which is basic and polar, at codon 1041 of the CDH23 protein (p.Gly1041Arg).

NM_022124.6(CDH23):c.3121G>A (p.Gly1041Arg)

Gene: CDH23 (cadherin related 23; plus strand). Cytogenetic location: 10q22.1.
Variant type: single nucleotide variant.
Coding change: c.3121G>A on transcript NM_022124.6 (MANE Select); coding-DNA position 3121, G replaced by A.
Protein change: p.Gly1041Arg; replaces glycine 1041 with arginine.
Molecular consequence: missense variant.
Genome position (GRCh38, 1-based): chr10:71,709,112, G>A. VCF-style: chr10-71709112-G-A. GRCh37 (hg19) VCF-style: chr10-73468869-G-A.
Other names: c.3121G>A, p.Gly1041Arg (NM_001171930.2); short protein forms G1041R.
Identifiers: ClinVar variation 1903241 (VCV001903241.5), dbSNP rs2494079676, ClinGen allele CA377143026.